The following is an entry in ClinVar:

ClinVar aggregate classification (germline): Likely benign. Review status: criteria provided, single submitter (1 of 4 stars). 2 submissions from 2 submitters: Likely benign (1). 1 of the submissions does not count toward it. Last evaluated 2025-02-17.

Conditions:
Frontotemporal dementia and/or amyotrophic lateral sclerosis 1 (FTDALS1). Also called: Frontotemporal dementia with motor neuron disease 1; C9orf72 Frontotemporal Dementia and/or Amyotrophic Lateral Sclerosis. Identifiers: Orphanet 275872, MedGen C5779877, MONDO:0007105, OMIM 105550.
Paget disease of bone 2, early-onset (PDB2). Also called: Paget disease of bone 2. Identifiers: MedGen C4085251, MONDO:0011183, OMIM 602080.
SQSTM1-related disorder. Also called: SQSTM1-Related Disorders.

Allele frequency attached by ClinVar (database versions not stated): gnomAD 0.00004 and 0.00005; TOPMed 0.00004; ExAC 0.00010.

Submissions (2):

Labcorp Genetics (formerly Invitae), Labcorp
Classification: Likely benign for Paget disease of bone 2, early-onset; Frontotemporal dementia and/or amyotrophic lateral sclerosis 1. Last evaluated: 2025-02-17. Review status: criteria provided, single submitter. Criteria: Invitae Variant Classification Sherloc (09022015). Collection method: clinical testing. Allele origin: germline.

PreventionGenetics, part of Exact Sciences
Classification: Likely benign for SQSTM1-related condition. Last evaluated: 2020-09-08. Review status: no assertion criteria provided. Collection method: clinical testing. Allele origin: germline. Not counted in ClinVar's aggregate classification.
Comment: This variant is classified as likely benign based on ACMG/AMP sequence variant interpretation guidelines (Richards et al. 2015 PMID: 25741868, with internal and published modifications).

NM_003900.5(SQSTM1):c.399G>C (p.Gly133=)

Gene: SQSTM1 (sequestosome 1; plus strand). Cytogenetic location: 5q35.3.
Variant type: single nucleotide variant.
Coding change: c.399G>C on transcript NM_003900.5 (MANE Select); coding-DNA position 399, G replaced by C.
Protein change: p.Gly133=; no amino-acid change (glycine 133 retained).
Molecular consequence: synonymous variant.
Genome position (GRCh38, 1-based): chr5:179,823,955, G>C. VCF-style: chr5-179823955-G-C. GRCh37 (hg19) VCF-style: chr5-179250955-G-C.
Other names: c.147G>C, p.Gly49= (NM_001142298.2, NM_001142299.2).
Identifiers: ClinVar variation 766945 (VCV000766945.12), dbSNP rs768110162, ClinGen allele CA3600497.